The following is an entry in ClinVar:

NM_003072.5(SMARCA4):c.2653C>A (p.Arg885Ser)

Gene: SMARCA4 (SWI/SNF related BAF chromatin remodeling complex subunit ATPase 4; plus strand). Cytogenetic location: 19p13.2.
Variant type: single nucleotide variant.
Coding change: c.2653C>A on transcript NM_003072.5 (MANE Select); coding-DNA position 2653, C replaced by A.
Protein change: p.Arg885Ser; replaces arginine 885 with serine.
Molecular consequence: missense variant. On other transcripts: non-coding transcript variant (1).
Genome position (GRCh38, 1-based): chr19:11,021,761, C>A. VCF-style: chr19-11021761-C-A. GRCh37 (hg19) VCF-style: chr19-11132437-C-A.
Other names: c.2653C>A, p.Arg885Ser (NM_001128844.3, NM_001128845.2, NM_001128846.2 and 6 more transcripts); short protein forms R885S.
Identifiers: ClinVar variation 4530274 (VCV004530274.1).

ClinVar aggregate classification (somatic clinical impact): Tier I - Strong (1 of 4 stars; one submission).

Conditions:
Medulloblastoma WNT activated. Identifiers: MedGen C4331965, MONDO:0850196.

Submission:

Institute for Genomic Medicine (IGM) Clinical Laboratory, Nationwide Children's Hospital
Classification: Tier I - Strong for Medulloblastoma WNT activated. Assertion type: diagnostic. Clinical significance: supports diagnosis. Last evaluated: 2024-04-22. Review status: criteria provided, single submitter. Criteria: AMP/ASCO/CAP Guidelines, 2017. Collection method: clinical testing. Allele origin: somatic. Affected: yes.
Comment: Variant has Tier I (strong) clinical significance as a diagnostic inclusion criterion in medulloblastoma WNT activated, based on the following evidence: 1) Appears in one or more well-established professional guidelines (e.g., World Health Organization [WHO]; National Comprehensive Cancer Network [NCCN]) as providing diagnostic, prognostic, or therapeutic information. 2) Diagnostic for a specific tumor type/classification based on well-powered studies with expert-level consensus (Evidence Level B; PMIDs: 21163964, 28726821, 22820256, 22832583, 22722829).

Literature cited by the submitters: PubMed 21163964; PubMed 28726821; PubMed 22820256; PubMed 22832583; PubMed 22722829.